The following is an entry in ClinVar:

NM_015272.5(RPGRIP1L):c.1154T>G (p.Leu385Arg)

Gene: RPGRIP1L (RPGRIP1 like; minus strand). Cytogenetic location: 16q12.2.
Variant type: single nucleotide variant.
Coding change: c.1154T>G on transcript NM_015272.5 (MANE Select); coding-DNA position 1154, T replaced by G.
Protein change: p.Leu385Arg; replaces leucine 385 with arginine.
Molecular consequence: missense variant.
Genome position (GRCh38, 1-based): chr16:53,664,959, A>C on the plus strand (T>G on the coding strand, the complement: RPGRIP1L is on the minus strand). VCF-style: chr16-53664959-A-C. GRCh37 (hg19) VCF-style: chr16-53698871-A-C.
Other names: c.1154T>G (NM_015272.2, NM_015272.4); c.1154T>G, p.Leu385Arg (NM_001127897.4, NM_001308334.3, NM_001330538.2); short protein forms L385R.
Identifiers: ClinVar variation 992038 (VCV000992038.7), dbSNP rs750446830, ClinGen allele CA8057891.

ClinVar aggregate classification (germline): Uncertain significance. Review status: criteria provided, multiple submitters, no conflicts (2 of 4 stars). 5 submissions from 5 submitters: Uncertain significance (4). 1 of the submissions does not count toward it. Last evaluated 2025-03-17.

Conditions:
Joubert syndrome 7 (JBTS7). Identifiers: Orphanet 220497, MedGen C1969053, MONDO:0012694, OMIM 611560.
Meckel syndrome, type 5 (MKS5). Identifiers: Orphanet 564, MedGen C1969052, MONDO:0012695, OMIM 611561.
COACH syndrome 3. Identifiers: MedGen C5436841, MONDO:0030862, OMIM 619113.
RPGRIP1L-related disorder. Also called: RPGRIP1L-related condition; RPGRIP1L-related disorders. Identifiers: MedGen CN239416.
Inborn genetic diseases. Identifiers: MedGen C0950123, MeSH D030342.
Joubert syndrome. Also called: Familial aplasia of the vermis; JOUBERT-BOLTSHAUSER SYNDROME. Identifiers: Orphanet 475, MedGen C5979921, MONDO:0018772.
Meckel-Gruber syndrome. Also called: GRUBER SYNDROME; Dysencephalia splachnocystica; DYSENCEPHALIA SPLANCHNOCYSTICA. Identifiers: Orphanet 564, MedGen C0265215, MONDO:0018921.

Allele frequency attached by ClinVar (database versions not stated): gnomAD exomes 0.00001 and 0.00003; TOPMed 0.00001; ExAC 0.00002.
gnomAD v4.1: 13 of 1,613,660 alleles (0.00081%); no homozygotes.

Submissions (5):

Labcorp Genetics (formerly Invitae), Labcorp
Classification: Uncertain significance for Joubert syndrome; Meckel-Gruber syndrome. Last evaluated: 2025-03-17. Review status: criteria provided, single submitter. Criteria: Invitae Variant Classification Sherloc (09022015). Collection method: clinical testing. Allele origin: germline.
Comment: This sequence change replaces leucine, which is neutral and non-polar, with arginine, which is basic and polar, at codon 385 of the RPGRIP1L protein (p.Leu385Arg). This variant is present in population databases (rs750446830, gnomAD 0.06%). This variant has not been reported in the literature in individuals affected with RPGRIP1L-related conditions. ClinVar contains an entry for this variant (Variation ID: 992038). Invitae Evidence Modeling of protein sequence and biophysical properties (such as structural, functional, and spatial information, amino acid conservation, physicochemical variation, residue mobility, and thermodynamic stability) indicates that this missense variant is expected to disrupt RPGRIP1L protein function with a positive predictive value of 80%. In summary, the available evidence is currently insufficient to determine the role of this variant in disease. Therefore, it has been classified as a Variant of Uncertain Significance.

PreventionGenetics, part of Exact Sciences
Classification: Uncertain significance for RPGRIP1L-related condition. Last evaluated: 2025-01-29. Review status: criteria provided, single submitter. Criteria: ACMG Guidelines, 2015. Collection method: clinical testing. Allele origin: germline.
Comment: The RPGRIP1L c.1154T>G variant is predicted to result in the amino acid substitution p.Leu385Arg. To our knowledge, this variant has not been reported in the literature. This variant is reported in 0.070% of alleles in individuals of Ashkenazi Jewish descent in gnomAD. Although we suspect that this variant may be benign, at this time, the clinical significance of this variant is uncertain due to the absence of conclusive functional and genetic evidence.

Fulgent Genetics
Classification: Uncertain significance for Joubert syndrome 7; Meckel syndrome, type 5; COACH syndrome 3. Last evaluated: 2022-02-05. Review status: criteria provided, single submitter. Criteria: ACMG Guidelines, 2015. Collection method: clinical testing. Allele origin: unknown.

Ambry Genetics
Classification: Uncertain significance for Inborn genetic diseases. Last evaluated: 2022-01-14. Review status: criteria provided, single submitter. Criteria: Ambry Variant Classification Scheme 2023. Collection method: clinical testing. Allele origin: germline.

Natera, Inc.
Classification: Uncertain significance for Joubert syndrome. Last evaluated: 2020-08-17. Review status: no assertion criteria provided. Collection method: clinical testing. Allele origin: germline. Not counted in ClinVar's aggregate classification.